The following is an entry in ClinVar:

NM_024642.5(GALNT12):c.1054del (p.Val352fs)

Gene: GALNT12 (polypeptide N-acetylgalactosaminyltransferase 12; plus strand). Cytogenetic location: 9q22.33.
Variant type: Deletion.
Coding change: c.1054del on transcript NM_024642.5 (MANE Select); coding-DNA position 1054, one base deleted (G; older notation c.1054delG).
Protein change: p.Val352fs; shifts the reading frame from valine 352.
Molecular consequence: frameshift variant.
Genome position (GRCh38, 1-based): chr9:98,836,990, G deleted; the last of 4 consecutive G bases (chr9:98,836,987-98,836,990); deleting any one gives the same sequence. VCF-style (leftmost placement, unchanged base first): chr9-98836986-TG-T. GRCh37 (hg19) VCF-style: chr9-101599268-TG-T.
Other names: short protein forms V352fs.
Identifiers: ClinVar variation 1478227 (VCV001478227.8), dbSNP rs1836168341, ClinGen allele CA913142064.
Genomic context (GRCh38, chr9:98,836,986, plus strand): 5'-CTCATCCCCTGCTCACCACCTGGCCTCTCCTTTTCTCTGTGTGCAGATCTGGCAGTGTGG[TG>T]GGGTTCTGGAAACACACCCATGTTCCCATGTTGGCCATGTTTTCCCCAAGCAAGCTCCCT-3'

ClinVar aggregate classification (germline): Uncertain significance. Review status: criteria provided, multiple submitters, no conflicts (2 of 4 stars). 2 submissions from 2 submitters: Uncertain significance (2). Last evaluated 2025-06-22.

Submissions (2):

Labcorp Genetics (formerly Invitae), Labcorp
Classification: Uncertain significance. Last evaluated: 2025-06-22. Review status: criteria provided, single submitter. Criteria: Invitae Variant Classification Sherloc (09022015). Collection method: clinical testing. Allele origin: germline.
Comment: This sequence change creates a premature translational stop signal (p.Val352Phefs*59) in the GALNT12 gene. It is expected to result in an absent or disrupted protein product. However, the current clinical and genetic evidence is not sufficient to establish whether loss-of-function variants in GALNT12 cause disease. This variant is not present in population databases (gnomAD no frequency). This variant has not been reported in the literature in individuals affected with GALNT12-related conditions. ClinVar contains an entry for this variant (Variation ID: 1478227). In summary, the available evidence is currently insufficient to determine the role of this variant in disease. Therefore, it has been classified as a Variant of Uncertain Significance.

Ambry Genetics
Classification: Uncertain significance. Last evaluated: 2023-09-18. Review status: criteria provided, single submitter. Criteria: Ambry Variant Classification Scheme 2023. Collection method: clinical testing. Allele origin: germline.
Comment: The c.1054delG variant, located in coding exon 6 of the GALNT12 gene, results from a deletion of one nucleotide at nucleotide position 1054, causing a translational frameshift with a predicted alternate stop codon (p.V352Ffs*59). This alteration is expected to result in premature protein truncation or nonsense-mediated mRNA decay. The evidence for this gene-disease relationship is limited; therefore, the clinical significance of this alteration is unclear.